The following is an entry in ClinVar:

ClinVar aggregate classification (germline): Uncertain significance (1 of 4 stars; one submission).

Conditions:
Charcot-Marie-Tooth disease axonal type 2O. Also called: Charcot-Marie-Tooth Neuropathy Type 2O; Charcot-Marie-Tooth disease, axonal, type 20; CHARCOT-MARIE-TOOTH NEUROPATHY, AXONAL, TYPE 2O; CHARCOT-MARIE-TOOTH DISEASE, AXONAL, AUTOSOMAL DOMINANT, TYPE 2O. Identifiers: Orphanet 284232, MedGen C3280220, MONDO:0013644, OMIM 614228.

gnomAD v4.1: 2 of 1,614,086 alleles (0.00012%); highest among the groups gnomAD compares: South Asian, 0.0011%; no homozygotes.

Submission:

Labcorp Genetics (formerly Invitae), Labcorp
Classification: Uncertain significance for Charcot-Marie-Tooth disease axonal type 2O. Last evaluated: 2021-10-25. Review status: criteria provided, single submitter. Criteria: Invitae Variant Classification Sherloc (09022015). Collection method: clinical testing. Allele origin: germline.
Comment: In summary, the available evidence is currently insufficient to determine the role of this variant in disease. Therefore, it has been classified as a Variant of Uncertain Significance. Variants that disrupt the consensus splice site are a relatively common cause of aberrant splicing (PMID: 17576681, 9536098). Algorithms developed to predict the effect of sequence changes on RNA splicing suggest that this variant may create or strengthen a splice site. This variant has not been reported in the literature in individuals affected with DYNC1H1-related conditions. This variant is not present in population databases (ExAC no frequency). This sequence change falls in intron 67 of the DYNC1H1 gene. It does not directly change the encoded amino acid sequence of the DYNC1H1 protein. It affects a nucleotide within the consensus splice site of the intron.

Literature cited by the submitters: PubMed 17576681; PubMed 9536098.

NM_001376.5(DYNC1H1):c.12275+6C>T

Gene: DYNC1H1 (dynein cytoplasmic 1 heavy chain 1; plus strand). Cytogenetic location: 14q32.31.
Variant type: single nucleotide variant.
Coding change: c.12275+6C>T on transcript NM_001376.5 (MANE Select); 6 bases into the intron after coding-DNA position 12275, C replaced by T.
Molecular consequence: intron variant.
Genome position (GRCh38, 1-based): chr14:102,042,294, C>T. VCF-style: chr14-102042294-C-T. GRCh37 (hg19) VCF-style: chr14-102508631-C-T.
Identifiers: ClinVar variation 1382650 (VCV001382650.6), dbSNP rs2152596589, ClinGen allele CA2573150406.